The following is an entry in ClinVar:

ClinVar aggregate classification (germline): Conflicting classifications of pathogenicity. Review status: criteria provided, conflicting classifications (1 of 4 stars). 8 submissions from 4 submitters: Uncertain significance (3); Benign (4); Likely benign (1). Last evaluated 2025-11-11.

Conditions:
Inborn genetic diseases. Identifiers: MedGen C0950123, MeSH D030342.
Beare-Stevenson cutis gyrata syndrome (BSTVS). Identifiers: Orphanet 1555, MedGen C1852406, MONDO:0007412, OMIM 123790.
FGFR2-related craniosynostosis. Identifiers: MedGen CN231480.
Isolated Coronal Synostosis. Identifiers: MedGen CN043619.
Saethre-Chotzen syndrome (SCS). Also called: ACROCEPHALY, SKULL ASYMMETRY, AND MILD SYNDACTYLY; ACS III; CHOTZEN SYNDROME. Identifiers: Orphanet 794, MedGen C0175699, MONDO:0007042, OMIM 101400.
Craniosynostosis syndrome. Also called: Craniosynostosis. Identifiers: Orphanet 1531, MedGen C0010278, MeSH D003398, MONDO:0015469, HP:0001363.
Crouzon syndrome. Also called: CRANIOFACIAL DYSOSTOSIS, TYPE I; Craniofacial dysostosis; Craniofacial dysostosis type 1; Crouzon craniofacial dysostosis; Crouzon disease. Identifiers: Orphanet 207, MedGen C0010273, MeSH D003394, MONDO:0007405, OMIM 123500, HP:0004439.

Allele frequency attached by ClinVar (database versions not stated): gnomAD below 0.00001 and 0.00001; TOPMed below 0.00001.
gnomAD v4.1: 71 of 1,613,874 alleles (0.0044%); highest among the groups gnomAD compares: South Asian, 0.065%; 2 homozygotes.

Submissions (8):

Ambry Genetics
Classification: Uncertain significance for Inborn genetic diseases. Last evaluated: 2025-11-11. Review status: criteria provided, single submitter. Criteria: Ambry Variant Classification Scheme 2023. Collection method: clinical testing. Allele origin: germline.

Labcorp Genetics (formerly Invitae), Labcorp
Classification: Benign for FGFR2-related craniosynostosis. Last evaluated: 2023-05-16. Review status: criteria provided, single submitter. Criteria: Invitae Variant Classification Sherloc (09022015). Collection method: clinical testing. Allele origin: germline.

GeneDx
Classification: Uncertain significance. Last evaluated: 2019-12-10. Review status: criteria provided, single submitter. Criteria: GeneDx Variant Classification Process June 2021. Collection method: clinical testing. Allele origin: germline. Affected: yes.
Comment: In silico analysis, which includes protein predictors and evolutionary conservation, supports that this variant does not alter protein structure/function; Has not been previously published as pathogenic or benign to our knowledge

Illumina Laboratory Services, Illumina
Classification: Benign for Crouzon syndrome. Last evaluated: 2018-01-13. Review status: criteria provided, single submitter. Criteria: ICSL Variant Classification Criteria 13 December 2019. Collection method: clinical testing. Allele origin: germline.
Comment: This variant was observed in the ICSL laboratory as part of a predisposition screen in an ostensibly healthy population. It had not been previously curated by ICSL or reported in the Human Gene Mutation Database (HGMD: prior to June 1st, 2018), and was therefore a candidate for classification through an automated scoring system. Utilizing variant allele frequency, disease prevalence and penetrance estimates, and inheritance mode, an automated score was calculated to assess if this variant is too frequent to cause the disease. Based on the score and internal cut-off values, a variant classified as benign is not then subjected to further curation. The score for this variant resulted in a classification of benign for this disease.

Illumina Laboratory Services, Illumina
Classification: Uncertain significance for Isolated coronal synostosis. Last evaluated: 2018-01-13. Review status: criteria provided, single submitter. Criteria: ICSL Variant Classification Criteria 13 December 2019. Collection method: clinical testing. Allele origin: germline.

Illumina Laboratory Services, Illumina
Classification: Benign for Craniosynostosis. Last evaluated: 2018-01-13. Review status: criteria provided, single submitter. Criteria: ICSL Variant Classification Criteria 13 December 2019. Collection method: clinical testing. Allele origin: germline.
Comment: the same text as in the submission from Illumina Laboratory Services, Illumina above.

Illumina Laboratory Services, Illumina
Classification: Likely benign for Saethre-Chotzen syndrome. Last evaluated: 2018-01-13. Review status: criteria provided, single submitter. Criteria: ICSL Variant Classification Criteria 13 December 2019. Collection method: clinical testing. Allele origin: germline.
Comment: This variant was observed in the ICSL laboratory as part of a predisposition screen in an ostensibly healthy population. It had not been previously curated by ICSL or reported in the Human Gene Mutation Database (HGMD: prior to June 1st, 2018), and was therefore a candidate for classification through an automated scoring system. Utilizing variant allele frequency, disease prevalence and penetrance estimates, and inheritance mode, an automated score was calculated to assess if this variant is too frequent to cause the disease. Based on the score and internal cut-off values, a variant classified as likely benign is not then subjected to further curation. The score for this variant resulted in a classification of likely benign for this disease.

Illumina Laboratory Services, Illumina
Classification: Benign for Beare-Stevenson cutis gyrata syndrome. Last evaluated: 2018-01-13. Review status: criteria provided, single submitter. Criteria: ICSL Variant Classification Criteria 13 December 2019. Collection method: clinical testing. Allele origin: germline.
Comment: the same text as in the submission from Illumina Laboratory Services, Illumina above.

NM_000141.5(FGFR2):c.2416G>A (p.Glu806Lys)

Gene: FGFR2 (fibroblast growth factor receptor 2; minus strand). Cytogenetic location: 10q26.13.
Variant type: single nucleotide variant.
Coding change: c.2416G>A on transcript NM_000141.5 (MANE Select); coding-DNA position 2416, G replaced by A.
Protein change: p.Glu806Lys; replaces glutamic acid 806 with lysine.
Molecular consequence: missense variant. On other transcripts: non-coding transcript variant (1), intron variant (1).
Genome position (GRCh38, 1-based): chr10:121,479,907, C>T on the plus strand (G>A on the coding strand, the complement: FGFR2 is on the minus strand). VCF-style: chr10-121479907-C-T. GRCh37 (hg19) VCF-style: chr10-123239421-C-T.
Other names: c.2080G>A, p.Glu694Lys (NM_001144914.1); c.2071G>A, p.Glu691Lys (NM_001144916.2); c.2068G>A, p.Glu690Lys (NM_001144917.2); c.2065G>A, p.Glu689Lys (NM_001144918.2); c.1732G>A, p.Glu578Lys (NM_001320654.2); c.2410G>A, p.Glu804Lys (NM_001320658.2); c.2419G>A, p.Glu807Lys (NM_022970.4); c.2149G>A, p.Glu717Lys (NM_023029.3); and 1 more; short protein forms E806K, E807K, E694K, E578K, E691K, E717K, E689K, E804K.
Identifiers: ClinVar variation 298995 (VCV000298995.9), dbSNP rs764959117, ClinGen allele CA5720449.
Genomic context (GRCh38, chr10:121,479,907, plus strand): 5'-ACACAGTCATTCATGTTTTAACACTGCCGTTTATGTGTGGATACTGAGGAAGGCATGGTT[C>T]GTAAGGCATGGGGTCTGGAGAAAAAACAGAATCATCTCCTGAAGAACAAGAACTTCTTGT-3'
Protein context (NP_000132.3, residues 796-816): SVFSPDPMPY[Glu806Lys]PCLPQYPHIN